The following is an entry in ClinVar:

ClinVar aggregate classification (germline): Pathogenic/Likely pathogenic. Review status: criteria provided, multiple submitters, no conflicts (2 of 4 stars). 2 submissions from 2 submitters: Pathogenic (1); Likely pathogenic (1). Last evaluated 2025-02-10.

Conditions:
Immunodeficiency 64. Also called: IMMUNODEFICIENCY 64 WITH LYMPHOPROLIFERATION. Identifiers: Orphanet 664699, MedGen C5231402, MONDO:0032803, OMIM 618534.

Submissions (2):

Labcorp Genetics (formerly Invitae), Labcorp
Classification: Pathogenic. Last evaluated: 2025-02-10. Review status: criteria provided, single submitter. Criteria: Invitae Variant Classification Sherloc (09022015). Collection method: clinical testing. Allele origin: germline.
Comment: This sequence change creates a premature translational stop signal (p.Arg81*) in the RASGRP1 gene. It is expected to result in an absent or disrupted protein product. Loss-of-function variants in RASGRP1 are known to be pathogenic (PMID: 11017103, 27776107, 28822832). This variant is not present in population databases (gnomAD no frequency). This variant has not been reported in the literature in individuals affected with RASGRP1-related conditions. For these reasons, this variant has been classified as Pathogenic.

Laboratorio de Genetica e Diagnostico Molecular, Hospital Israelita Albert Einstein
Classification: Likely pathogenic for Immunodeficiency 64. Last evaluated: 2024-07-02. Review status: criteria provided, single submitter. Criteria: ACMG Guidelines, 2015. Collection method: clinical testing. Allele origin: germline. Affected: yes.
Comment: ACMG classification criteria: PVS1 very strong, PM2 supporting

Literature cited by the submitters: PubMed 11017103 (cited by Labcorp Genetics (formerly Invitae), Labcorp); PubMed 27776107 (cited by Labcorp Genetics (formerly Invitae), Labcorp); PubMed 28822832 (cited by Labcorp Genetics (formerly Invitae), Labcorp).

NM_005739.4(RASGRP1):c.241C>T (p.Arg81Ter)

Gene: RASGRP1 (RAS guanyl releasing protein 1; minus strand). Cytogenetic location: 15q14.
Variant type: single nucleotide variant.
Coding change: c.241C>T on transcript NM_005739.4 (MANE Select); coding-DNA position 241, C replaced by T.
Protein change: p.Arg81Ter; replaces arginine 81 with a stop codon.
Molecular consequence: nonsense.
Genome position (GRCh38, 1-based): chr15:38,526,384, G>A on the plus strand (C>T on the coding strand, the complement: RASGRP1 is on the minus strand). VCF-style: chr15-38526384-G-A. GRCh37 (hg19) VCF-style: chr15-38818585-G-A.
Other names: c.241C>T, p.Arg81Ter (NM_001128602.2, NM_001306086.2); short protein forms R81*.
Identifiers: ClinVar variation 4076366 (VCV004076366.2).
Genomic context (GRCh38, chr15:38,526,384, plus strand): 5'-CTGCAGAGGAGATGACAATTCGGTGCATGGTCAGCATGACTTGCAACAGTTGGTTACTTC[G>A]ACACAGGTTTCCATCTGCATCTGAAAATATAAAGAGCAGCACCTGAGTTAGGCCCTGGAG-3'